The following is an entry in ClinVar:

ClinVar aggregate classification (germline): Conflicting classifications of pathogenicity. Review status: criteria provided, conflicting classifications (1 of 4 stars). 9 submissions from 8 submitters: Uncertain significance (2); Benign (2); Likely benign (3). 2 of the submissions do not count toward it. Last evaluated 2026-05-01.

Conditions:
CDH23-related disorder. Also called: CDH23-related condition; CDH23-related disorders.
Usher syndrome type 1 (USH1). Also called: RETINITIS PIGMENTOSA AND CONGENITAL DEAFNESS. Identifiers: Orphanet 231169, Orphanet 886, MedGen C1568247, MONDO:0010168, OMIM 276900.
Autosomal recessive nonsyndromic hearing loss 12. Also called: DEAFNESS, AUTOSOMAL RECESSIVE 12. Identifiers: Orphanet 90636, MedGen C1832394, MONDO:0011067, OMIM 601386.
Usher syndrome type 1D (USH1D). Also called: USHER SYNDROME, TYPE ID. Identifiers: Orphanet 231169, Orphanet 886, MedGen C1832845, MONDO:0010984, OMIM 601067.

Allele frequency attached by ClinVar (database versions not stated): ESP Exome Variant Server 0.00016; TOPMed 0.00019; 1000 Genomes Project 30x 0.00031; 1000 Genomes Project 0.00040; gnomAD 0.00045.
gnomAD v4.1: 624 of 1,613,840 alleles (0.039%); highest among the groups gnomAD compares: South Asian, 0.28%; 7 homozygotes.

Submissions (9):

CeGaT Center for Human Genetics Tuebingen
Classification: Likely benign. Last evaluated: 2026-05-01. Review status: criteria provided, single submitter. Criteria: CeGaT Center For Human Genetics Tuebingen Variant Classification Criteria Version 2. Collection method: clinical testing. Allele origin: germline. Affected: yes. Observed: 4 variant alleles.
Comment: CDH23: BP4, BS2

Labcorp Genetics (formerly Invitae), Labcorp
Classification: Benign. Last evaluated: 2026-01-28. Review status: criteria provided, single submitter. Criteria: Invitae Variant Classification Sherloc (09022015). Collection method: clinical testing. Allele origin: germline.

Blueprint Genetics
Classification: Likely benign. Last evaluated: 2024-11-25. Review status: criteria provided, single submitter. Criteria: ACMG Guidelines, 2015. Collection method: clinical testing. Allele origin: germline.

GeneDx
Classification: Benign. Last evaluated: 2018-11-30. Review status: criteria provided, single submitter. Criteria: GeneDx Variant Classification Process June 2021. Collection method: clinical testing. Allele origin: germline. Affected: yes.
Comment: This variant is associated with the following publications: (PMID: 24916380)

Illumina Laboratory Services, Illumina
Classification: Uncertain significance for Autosomal recessive nonsyndromic hearing loss 12. Last evaluated: 2018-01-13. Review status: criteria provided, single submitter. Criteria: ICSL Variant Classification Criteria 13 December 2019. Collection method: clinical testing. Allele origin: germline.

Illumina Laboratory Services, Illumina
Classification: Uncertain significance for Usher syndrome type 1D. Last evaluated: 2018-01-13. Review status: criteria provided, single submitter. Criteria: ICSL Variant Classification Criteria 13 December 2019. Collection method: clinical testing. Allele origin: germline.

Laboratory for Molecular Medicine, Mass General Brigham Personalized Medicine
Classification: Likely benign. Last evaluated: 2017-03-20. Review status: criteria provided, single submitter. Criteria: LMM Criteria. Collection method: clinical testing. Allele origin: germline. Observed: 3 variant alleles.
Comment: p.Glu192Gln in exon 7 of CDH23: This variant is not expected to have clinical si gnificance because it has been identified in 0.3% (48/16480) of South Asian chro mosomes by the Exome Aggregation Consortium (ExAC, g; dbSNP rs199514829).

PreventionGenetics, part of Exact Sciences
Classification: Likely benign for CDH23-related condition. Last evaluated: 2022-11-01. Review status: no assertion criteria provided. Collection method: clinical testing. Allele origin: germline. Not counted in ClinVar's aggregate classification.
Comment: This variant is classified as likely benign based on ACMG/AMP sequence variant interpretation guidelines (Richards et al. 2015 PMID: 25741868, with internal and published modifications).

Natera, Inc.
Classification: Benign for Usher syndrome type 1. Last evaluated: 2020-01-30. Review status: no assertion criteria provided. Collection method: clinical testing. Allele origin: germline. Not counted in ClinVar's aggregate classification.

NM_022124.6(CDH23):c.574G>C (p.Glu192Gln)

Gene: CDH23 (cadherin related 23; plus strand). Cytogenetic location: 10q22.1.
Variant type: single nucleotide variant.
Coding change: c.574G>C on transcript NM_022124.6 (MANE Select); coding-DNA position 574, G replaced by C.
Protein change: p.Glu192Gln; replaces glutamic acid 192 with glutamine.
Molecular consequence: missense variant.
Genome position (GRCh38, 1-based): chr10:71,566,886, G>C. VCF-style: chr10-71566886-G-C. GRCh37 (hg19) VCF-style: chr10-73326643-G-C.
Other names: c.574G>C, p.Glu192Gln (NM_001171930.2, NM_001171931.2, NM_001171932.2 and 1 more transcripts); short protein forms E192Q.
Identifiers: ClinVar variation 178295 (VCV000178295.62), dbSNP rs199514829, ClinGen allele CA182058.